The following is an entry in ClinVar:

ClinVar aggregate classification (germline): Likely pathogenic. Review status: criteria provided, multiple submitters, no conflicts (2 of 4 stars). 2 submissions from 2 submitters: Likely pathogenic (2). Last evaluated 2024-09-22.

Conditions:
Congenital myasthenic syndrome 8. Also called: MYASTHENIC SYNDROME, CONGENITAL, DUE TO AGRIN DEFICIENCY; Myasthenic syndrome, congenital, 8, with pre- and postsynaptic defects. Identifiers: Orphanet 590, MedGen C3808739, MONDO:0014052, OMIM 615120.

Submissions (2):

Genomic Medicine Center of Excellence, King Faisal Specialist Hospital and Research Centre
Classification: Likely pathogenic for Congenital myasthenic syndrome 8. Last evaluated: 2024-09-22. Review status: criteria provided, single submitter. Criteria: ACMG Guidelines, 2015. Collection method: clinical testing. Allele origin: germline.

Labcorp Genetics (formerly Invitae), Labcorp
Classification: Likely pathogenic for Congenital myasthenic syndrome 8. Last evaluated: 2023-07-17. Review status: criteria provided, single submitter. Criteria: Invitae Variant Classification Sherloc (09022015). Collection method: clinical testing. Allele origin: germline.
Comment: In summary, the currently available evidence indicates that the variant is pathogenic, but additional data are needed to prove that conclusively. Therefore, this variant has been classified as Likely Pathogenic. Algorithms developed to predict the effect of sequence changes on RNA splicing suggest that this variant may disrupt the consensus splice site. ClinVar contains an entry for this variant (Variation ID: 2041422). This variant has not been reported in the literature in individuals affected with AGRN-related conditions. This variant is not present in population databases (gnomAD no frequency). This sequence change affects an acceptor splice site in intron 21 of the AGRN gene. It is expected to disrupt RNA splicing. Variants that disrupt the donor or acceptor splice site typically lead to a loss of protein function (PMID: 16199547), and loss-of-function variants in AGRN are known to be pathogenic (PMID: 24951643).

Literature cited by the submitters: PubMed 16199547 (cited by Labcorp Genetics (formerly Invitae), Labcorp); PubMed 24951643 (cited by Labcorp Genetics (formerly Invitae), Labcorp).

NM_198576.4(AGRN):c.3632-1G>C

Gene: AGRN (agrin; plus strand). Cytogenetic location: 1p36.33.
Variant type: single nucleotide variant.
Coding change: c.3632-1G>C on transcript NM_198576.4 (MANE Select); the canonical splice acceptor site of the intron before coding-DNA position 3632, G replaced by C.
Molecular consequence: splice acceptor variant.
Genome position (GRCh38, 1-based): chr1:1,047,775, G>C. VCF-style: chr1-1047775-G-C. GRCh37 (hg19) VCF-style: chr1-983155-G-C.
Other names: c.3632-1G>C (NM_001305275.2); c.3317-1G>C (NM_001364727.2).
Identifiers: ClinVar variation 2041422 (VCV002041422.5), dbSNP rs771677426, ClinGen allele CA337851120.
Genomic context (GRCh38, chr1:1,047,775, plus strand): 5'-GGGAGGCAATGGGTGGGGGATGCCTGGGGCTCTGCCATGCTCAGAGCTCCCTCCTCCCCA[G>C]CCACAGCCTTCAGGGCACCCGACGTGGCCCGGGCCCTGCTCCGGCAGATCCAGGTGTCCA-3'